The following is an entry in ClinVar:

NM_170606.3(KMT2C):c.13644T>G (p.Phe4548Leu)

Gene: KMT2C (lysine methyltransferase 2C; minus strand). Cytogenetic location: 7q36.1.
Variant type: single nucleotide variant.
Coding change: c.13644T>G on transcript NM_170606.3 (MANE Select); coding-DNA position 13644, T replaced by G.
Protein change: p.Phe4548Leu; replaces phenylalanine 4548 with leucine.
Molecular consequence: missense variant.
Genome position (GRCh38, 1-based): chr7:152,148,283, A>C on the plus strand (T>G on the coding strand, the complement: KMT2C is on the minus strand). VCF-style: chr7-152148283-A-C. GRCh37 (hg19) VCF-style: chr7-151845368-A-C.
Other names: short protein forms F4548L.
Identifiers: ClinVar variation 3371582 (VCV003371582.1).

ClinVar aggregate classification (germline): Uncertain significance (1 of 4 stars; one submission).

gnomAD v4.1: 2 of 1,614,142 alleles (0.00012%); highest among the groups gnomAD compares: East Asian, 0.0045%; no homozygotes.

Submission:

GeneDx
Classification: Uncertain significance. Last evaluated: 2024-03-27. Review status: criteria provided, single submitter. Criteria: GeneDx Variant Classification Process June 2021. Collection method: clinical testing. Allele origin: germline. Affected: yes.
Comment: Not observed at significant frequency in large population cohorts (gnomAD); In silico analysis supports that this missense variant has a deleterious effect on protein structure/function; Has not been previously published as pathogenic or benign to our knowledge